The following is an entry in ClinVar:

ClinVar aggregate classification (germline): Uncertain significance (1 of 4 stars; one submission).

gnomAD v4.1: 1 of 1,613,070 alleles (0.000062%); highest among the groups gnomAD compares: South Asian, 0.0011%; no homozygotes.

Submission:

Labcorp Genetics (formerly Invitae), Labcorp
Classification: Uncertain significance. Last evaluated: 2022-06-01. Review status: criteria provided, single submitter. Criteria: Invitae Variant Classification Sherloc (09022015). Collection method: clinical testing. Allele origin: germline.
Comment: In summary, the available evidence is currently insufficient to determine the role of this variant in disease. Therefore, it has been classified as a Variant of Uncertain Significance. Algorithms developed to predict the effect of missense changes on protein structure and function are either unavailable or do not agree on the potential impact of this missense change (SIFT: "Tolerated"; PolyPhen-2: "Possibly Damaging"; Align-GVGD: "Class C0"). This variant has not been reported in the literature in individuals affected with PTPN23-related conditions. This variant is not present in population databases (gnomAD no frequency). This sequence change replaces arginine, which is basic and polar, with proline, which is neutral and non-polar, at codon 1207 of the PTPN23 protein (p.Arg1207Pro).

NM_015466.4(PTPN23):c.3620G>C (p.Arg1207Pro)

Gene: PTPN23 (protein tyrosine phosphatase non-receptor type 23; plus strand). Cytogenetic location: 3p21.31.
Variant type: single nucleotide variant.
Coding change: c.3620G>C on transcript NM_015466.4 (MANE Select); coding-DNA position 3620, G replaced by C.
Protein change: p.Arg1207Pro; replaces arginine 1207 with proline.
Molecular consequence: missense variant.
Genome position (GRCh38, 1-based): chr3:47,411,418, G>C. VCF-style: chr3-47411418-G-C. GRCh37 (hg19) VCF-style: chr3-47452908-G-C.
Other names: c.3242G>C, p.Arg1081Pro (NM_001304482.2); short protein forms R1207P, R1081P.
Identifiers: ClinVar variation 2079112 (VCV002079112.4), dbSNP rs1248812130, ClinGen allele CA352563076.